The following is an entry in ClinVar:

NM_000092.5(COL4A4):c.1748del (p.Pro583fs)

Gene: COL4A4 (collagen type IV alpha 4 chain; minus strand). Cytogenetic location: 2q36.3.
Variant type: Deletion.
Coding change: c.1748del on transcript NM_000092.5 (MANE Select); coding-DNA position 1748, one base deleted (C; older notation c.1748delC).
Protein change: p.Pro583fs; shifts the reading frame from proline 583.
Molecular consequence: frameshift variant.
Genome position (GRCh38, 1-based): chr2:227,080,498, G deleted on the plus strand (C on the coding strand, the reverse complement: COL4A4 is on the minus strand); the first of 2 consecutive G bases (chr2:227,080,498-227,080,499); deleting either gives the same sequence. VCF-style (leftmost placement, unchanged base first): chr2-227080497-TG-T. GRCh37 (hg19) VCF-style: chr2-227945213-TG-T.
Other names: short protein forms P583fs.
Identifiers: ClinVar variation 1726915 (VCV001726915.2), dbSNP rs2474786672, ClinGen allele CA2580065841.

ClinVar aggregate classification (germline): Likely pathogenic (1 of 4 stars; one submission).

Conditions:
Autosomal recessive Alport syndrome (ATS2). Also called: Alport syndrome type 2; COL4A4 Alport Syndrome and Thin Basement Membrane Nephropathy; ALPORT SYNDROME 2, AUTOSOMAL RECESSIVE; COL4A3-Related Nephropathy. Identifiers: Orphanet 63, Orphanet 88919, MedGen C4746745, MONDO:0008762, OMIM 203780.

Submission:

Myriad Genetics, Inc.
Classification: Likely pathogenic for Autosomal recessive Alport syndrome. Last evaluated: 2022-01-02. Review status: criteria provided, single submitter. Criteria: Myriad Women's Health Autosomal Recessive and X-Linked Classification Criteria (2021). Collection method: clinical testing. Allele origin: unknown.
Comment: NM_000092.4(COL4A4):c.1748delC(P583Qfs*70) is expected to be pathogenic in the context of COL4A4-related Alport syndrome. This variant is predicted to lead to an abnormal or absent protein product due to the creation of a premature termination codon in COL4A4, a gene where loss-of-function variants are known to be pathogenic. Please note: this variant was assessed in the context of healthy population screening.